The following is an entry in ClinVar:

ClinVar aggregate classification (germline): Pathogenic. Review status: criteria provided, multiple submitters, no conflicts (2 of 4 stars). 6 submissions from 6 submitters: Pathogenic (3). 3 of the submissions do not count toward it. Last evaluated 2023-01-29.

Conditions:
Primary hyperoxaluria, type I (HP1). Also called: GLYCOLIC ACIDURIA; HEPATIC AGT DEFICIENCY; OXALOSIS I; Primary hyperoxaluria type 1. Identifiers: Orphanet 416, Orphanet 93598, MedGen C0268164, MONDO:0009823, OMIM 259900. Disease mechanism: loss of function.

Allele frequency attached by ClinVar (database versions not stated): gnomAD 0.00002; TOPMed 0.00002; gnomAD exomes below 0.00001.
gnomAD v4.1: 5 of 1,613,612 alleles (0.00031%); highest among the groups gnomAD compares: African/African-American, 0.004%; no homozygotes.

Submissions (6):

Labcorp Genetics (formerly Invitae), Labcorp
Classification: Pathogenic. Last evaluated: 2023-01-29. Review status: criteria provided, single submitter. Criteria: Invitae Variant Classification Sherloc (09022015). Collection method: clinical testing. Allele origin: germline.
Comment: This sequence change replaces serine, which is neutral and polar, with leucine, which is neutral and non-polar, at codon 218 of the AGXT protein (p.Ser218Leu). This variant is present in population databases (rs180177253, gnomAD 0.01%). This missense change has been observed in individual(s) with primary hyperoxaluria type I (PMID: 15963748). ClinVar contains an entry for this variant (Variation ID: 188979). Advanced modeling of protein sequence and biophysical properties (such as structural, functional, and spatial information, amino acid conservation, physicochemical variation, residue mobility, and thermodynamic stability) performed at Invitae indicates that this missense variant is expected to disrupt AGXT protein function. Experimental studies have shown that this missense change affects AGXT function (PMID: 22018727). For these reasons, this variant has been classified as Pathogenic.

Mayo Clinic Laboratories, Mayo Clinic
Classification: Pathogenic. Last evaluated: 2019-04-23. Review status: criteria provided, single submitter. Criteria: ACMG Guidelines, 2015. Collection method: clinical testing. Allele origin: germline. Observed: 1 variant allele.
Comment: PS3, PS4_moderate, PM2, PP1, PP4

Neuberg Centre For Genomic Medicine, NCGM
Classification: Pathogenic for Primary hyperoxaluria, type I. Review status: criteria provided, single submitter. Criteria: ACMG Guidelines, 2015. Collection method: clinical testing. Allele origin: germline. Inheritance: Autosomal recessive inheritance. Affected: yes.
Comment: The AGXT c.653C>T (p.Ser218Leu) variant has been observed to be homozygous in individuals affected with primary hyperoxaluria type I (Coulter-Mackie MB et al., 2005). This variant has been reported to affect AGXT protein function (Oppici E et al., 2011). This variant has allele frequency of 0.001% in the gnomad and novel in 1000 genome database. This variant has been submitted to ClinVar as Pathogenic. The amino acid Ser at position 218 is changed to a Leu changing protein sequence and it might alter its composition and physico-chemical properties. The amino acid change p.Ser218Leu in AGXT is predicted as conserved by GERP++ and PhyloP across 100 vertebrates. For these reasons, this variant has been classified as Pathogenic.

Natera, Inc.
Classification: Pathogenic for Primary hyperoxaluria type I. Last evaluated: 2021-09-08. Review status: no assertion criteria provided. Collection method: clinical testing. Allele origin: germline. Not counted in ClinVar's aggregate classification.

Clinical Biochemistry Laboratory, Health Services Laboratory
Classification: Pathogenic for Primary hyperoxaluria, type I. Last evaluated: 2014-11-27. Review status: no assertion criteria provided. Collection method: in vitro. Allele origin: germline. Affected: yes. Not counted in ClinVar's aggregate classification.

Counsyl
Classification: Likely pathogenic for Primary hyperoxaluria, type I. Last evaluated: 2014-09-24. Review status: no assertion criteria provided. Collection method: literature only. Allele origin: unknown. Inheritance: Autosomal recessive inheritance. Not counted in ClinVar's aggregate classification.

Literature cited by the submitters: PubMed 15963748 (cited by 4 submitters); PubMed 22018727 (cited by 3 submitters); PubMed 16971151 (cited by Mayo Clinic Laboratories, Mayo Clinic and Counsyl); PubMed 18282470 (cited by Mayo Clinic Laboratories, Mayo Clinic and Counsyl); PubMed 28660284 (cited by Mayo Clinic Laboratories, Mayo Clinic); PubMed 25629080 (cited by Mayo Clinic Laboratories, Mayo Clinic); PubMed 28553045 (cited by Mayo Clinic Laboratories, Mayo Clinic); PubMed 20573805 (cited by Counsyl); PubMed 12899834 (cited by Counsyl).

NM_000030.3(AGXT):c.653C>T (p.Ser218Leu)

Gene: AGXT (alanine--glyoxylate aminotransferase; plus strand). Cytogenetic location: 2q37.3.
Variant type: single nucleotide variant.
Coding change: c.653C>T on transcript NM_000030.3 (MANE Select); coding-DNA position 653, C replaced by T.
Protein change: p.Ser218Leu; replaces serine 218 with leucine.
Molecular consequence: missense variant.
Genome position (GRCh38, 1-based): chr2:240,874,035, C>T. VCF-style: chr2-240874035-C-T. GRCh37 (hg19) VCF-style: chr2-241813452-C-T.
Other names: short protein forms S218L.
Identifiers: ClinVar variation 188979 (VCV000188979.28), dbSNP rs180177253, ClinGen allele CA274210.